The following is an entry in ClinVar:

ClinVar aggregate classification (germline): Pathogenic (1 of 4 stars; one submission).

Conditions:
Cardiovascular phenotype. Identifiers: MedGen CN230736.

Submission:

Ambry Genetics
Classification: Pathogenic for Cardiovascular phenotype. Last evaluated: 2022-12-05. Review status: criteria provided, single submitter. Criteria: Ambry Variant Classification Scheme 2023. Collection method: clinical testing. Allele origin: germline.
Comment: The p.Y186* pathogenic mutation (also known as c.558C>G), located in coding exon 1 of the LOX gene, results from a C to G substitution at nucleotide position 558. This changes the amino acid from a tyrosine to a stop codon within coding exon 1. This variant is considered to be rare based on population cohorts in the Genome Aggregation Database (gnomAD). This alteration is expected to result in loss of function by premature protein truncation or nonsense-mediated mRNA decay. As such, this alteration is interpreted as a disease-causing mutation.

NM_002317.7(LOX):c.558C>G (p.Tyr186Ter)

Genes: LOX (lysyl oxidase; minus strand), SRFBP1 (serum response factor binding protein 1; plus strand). Cytogenetic location: 5q23.1.
Variant type: single nucleotide variant.
Coding change: c.558C>G on transcript NM_002317.7 (MANE Select); coding-DNA position 558, C replaced by G.
Protein change: p.Tyr186Ter; replaces tyrosine 186 with a stop codon.
Molecular consequence: nonsense.
Genome position (GRCh38, 1-based): chr5:122,077,428, G>C on the plus strand (C>G on the coding strand, the complement: LOX is on the minus strand). VCF-style: chr5-122077428-G-C. GRCh37 (hg19) VCF-style: chr5-121413123-G-C.
Other names: short protein forms Y186*.
Identifiers: ClinVar variation 3222076 (VCV003222076.1), dbSNP rs2532916357, ClinGen allele CA360875688.
Genomic context (GRCh38, chr5:122,077,428, plus strand): 5'-GCCAGTGCCGTATCCGGGCCGGTACCTGCCCCCAGGTCTGGGCCTTTCATAAGTATCGTA[G>C]TAGTTGTAATAAGGGTTGTCGTCAGAGTACTTGTAGGGGTTGTAAGGGTCGTCGCCCACC-3'